The following is an entry in ClinVar:

ClinVar aggregate classification (germline): Uncertain significance (1 of 4 stars; one submission).

Conditions:
Facioscapulohumeral muscular dystrophy 2 (FSHD2). Also called: MUSCULAR DYSTROPHY, FACIOSCAPULOHUMERAL, TYPE 1B; FACIOSCAPULOHUMERAL MUSCULAR DYSTROPHY 2, DIGENIC; FSHD2, DIGENIC. Identifiers: Orphanet 269, MedGen C1834671, MONDO:0008031, OMIM 158901.

Allele frequency attached by ClinVar (database versions not stated): gnomAD exomes below 0.00001.
gnomAD v4.1: 1 of 1,560,328 alleles (0.000064%); highest among the groups gnomAD compares: Non-Finnish European, 0.000086%; no homozygotes.

Submission:

Labcorp Genetics (formerly Invitae), Labcorp
Classification: Uncertain significance for Facioscapulohumeral muscular dystrophy 2. Last evaluated: 2021-10-25. Review status: criteria provided, single submitter. Criteria: Invitae Variant Classification Sherloc (09022015). Collection method: clinical testing. Allele origin: germline.
Comment: This variant has not been reported in the literature in individuals affected with SMCHD1-related conditions. In summary, the available evidence is currently insufficient to determine the role of this variant in disease. Therefore, it has been classified as a Variant of Uncertain Significance. Algorithms developed to predict the effect of sequence changes on RNA splicing suggest that this variant may create or strengthen a splice site. Algorithms developed to predict the effect of missense changes on protein structure and function output the following: SIFT: "Tolerated"; PolyPhen-2: "Benign"; Align-GVGD: "Class C0". The alanine amino acid residue is found in multiple mammalian species, which suggests that this missense change does not adversely affect protein function. This variant is not present in population databases (ExAC no frequency). This sequence change replaces threonine with alanine at codon 1682 of the SMCHD1 protein (p.Thr1682Ala). The threonine residue is moderately conserved and there is a small physicochemical difference between threonine and alanine.

NM_015295.3(SMCHD1):c.5044A>G (p.Thr1682Ala)

Gene: SMCHD1 (structural maintenance of chromosomes flexible hinge domain containing 1; plus strand). Cytogenetic location: 18p11.32.
Variant type: single nucleotide variant.
Coding change: c.5044A>G on transcript NM_015295.3 (MANE Select); coding-DNA position 5044, A replaced by G.
Protein change: p.Thr1682Ala; replaces threonine 1682 with alanine.
Molecular consequence: missense variant.
Genome position (GRCh38, 1-based): chr18:2,771,610, A>G. VCF-style: chr18-2771610-A-G. GRCh37 (hg19) VCF-style: chr18-2771608-A-G.
Other names: short protein forms T1682A.
Identifiers: ClinVar variation 1482892 (VCV001482892.6), dbSNP rs2143748168, ClinGen allele CA401682790.
Genomic context (GRCh38, chr18:2,771,610, plus strand): 5'-AGATTAAAAGAGGCCCAATTGCGAAATGAACTAAAAATACATAATATTGACATTCCTACA[A>G]CACAACAGGTACAGCTTCCAACTATACGTGAAAGATTTTTTATTAAAGTCTATTCTACAA-3'
Protein context (NP_056110.2, residues 1672-1692): LKIHNIDIPT[Thr1682Ala]QQVPHIEALL